The following is an entry in ClinVar:

NM_000536.4(RAG2):c.479C>T (p.Ser160Leu)

Gene: RAG2 (recombination activating 2; minus strand). Cytogenetic location: 11p12.
Variant type: single nucleotide variant.
Coding change: c.479C>T on transcript NM_000536.4 (MANE Select); coding-DNA position 479, C replaced by T.
Protein change: p.Ser160Leu; replaces serine 160 with leucine.
Molecular consequence: missense variant.
Genome position (GRCh38, 1-based): chr11:36,593,690, G>A on the plus strand (C>T on the coding strand, the complement: RAG2 is on the minus strand). VCF-style: chr11-36593690-G-A. GRCh37 (hg19) VCF-style: chr11-36615240-G-A.
Other names: c.479C>T, p.Ser160Leu (NM_001243785.2, NM_001243786.2); short protein forms S160L.
Identifiers: ClinVar variation 418443 (VCV000418443.3), dbSNP rs756694972, ClinGen allele CA5950568.

ClinVar aggregate classification (germline): Conflicting classifications of pathogenicity. Review status: criteria provided, conflicting classifications (1 of 4 stars). 2 submissions from 2 submitters: Likely pathogenic (1); Uncertain significance (1). Last evaluated 2018-03-06.

Conditions:
Histiocytic medullary reticulosis. Also called: Omenn syndrome; SEVERE COMBINED IMMUNODEFICIENCY WITH HYPEREOSINOPHILIA. Identifiers: Orphanet 39041, MedGen C2700553, MONDO:0011338, OMIM 603554.
Recombinase activating gene 2 deficiency. Also called: RAG2 deficiency. Identifiers: MedGen CN257931, MONDO:0000573.
Inborn error of immunity. Also called: Inborn errors of immunity; Primary immunodeficiency. Identifiers: Orphanet 101997, MedGen C0398686, MONDO:0003778.

Allele frequency attached by ClinVar (database versions not stated): gnomAD exomes below 0.00001; ExAC 0.00001; gnomAD 0.00001.

Submissions (2):

Pediatric Immunology Service, The Chaim Sheba Medical Center at Tel HaShomer
Classification: Uncertain significance for RAG2 deficiency; Primary immunodeficiency; Omenn syndrome. Last evaluated: 2018-03-06. Review status: criteria provided, single submitter. Criteria: ACMG Guidelines, 2015. Collection method: research. Allele origin: germline. Affected: yes.

GeneDx
Classification: Likely pathogenic. Last evaluated: 2013-02-26. Review status: criteria provided, single submitter. Criteria: GeneDx Variant Classification (06012015). Collection method: clinical testing. Allele origin: germline. Affected: yes.
Comment: The S160L missense change represents a non-conservative amino acid substitution, as a polar Serine residue is replaced with a non-polar Leucine residue. This substitution occurs at a highly conserved position in RAG2 and is located in the core region of the protein, which is responsible for catalytic function. However, the possibility that S160L is a benign variant cannot be excluded.

Literature cited by the submitters: PubMed 16960852 (cited by Pediatric Immunology Service, The Chaim Sheba Medical Center at Tel HaShomer).